The following is an entry in ClinVar:

ClinVar aggregate classification (germline): Uncertain significance (1 of 4 stars; one submission).

Conditions:
Hereditary cancer-predisposing syndrome. Also called: Hereditary neoplastic syndrome; Neoplastic Syndromes, Hereditary; Tumor predisposition; Hereditary Cancer Syndrome. Identifiers: Orphanet 140162, MedGen C0027672, MeSH D009386, MONDO:0015356.

gnomAD v4.1: 1 of 1,613,980 alleles (0.000062%); highest among the groups gnomAD compares: African/African-American, 0.0013%; no homozygotes.

Submission:

Ambry Genetics
Classification: Uncertain significance for Hereditary cancer-predisposing syndrome. Last evaluated: 2025-08-14. Review status: criteria provided, single submitter. Criteria: Ambry Variant Classification Scheme 2023. Collection method: clinical testing. Allele origin: germline.
Comment: The p.F1071L variant (also known as c.3213T>G), located in coding exon 12 of the PALB2 gene, results from a T to G substitution at nucleotide position 3213. The phenylalanine at codon 1071 is replaced by leucine, an amino acid with highly similar properties. This amino acid position is highly conserved in available vertebrate species. In addition, this alteration is predicted to be tolerated by in silico analysis. Based on the available evidence, the clinical significance of this variant remains unclear.

NM_024675.4(PALB2):c.3213T>G (p.Phe1071Leu)

Gene: PALB2 (partner and localizer of BRCA2; minus strand). Cytogenetic location: 16p12.2.
Variant type: single nucleotide variant.
Coding change: c.3213T>G on transcript NM_024675.4 (MANE Select); coding-DNA position 3213, T replaced by G.
Protein change: p.Phe1071Leu; replaces phenylalanine 1071 with leucine.
Molecular consequence: missense variant. On other transcripts: intron variant (8).
Genome position (GRCh38, 1-based): chr16:23,608,001, A>C on the plus strand (T>G on the coding strand, the complement: PALB2 is on the minus strand). VCF-style: chr16-23608001-A-C. GRCh37 (hg19) VCF-style: chr16-23619322-A-C.
Other names: c.3114-4332T>G (NM_001407299.1); c.3153T>G, p.Phe1051Leu (NM_001407296.1); c.3141T>G, p.Phe1047Leu (NM_001407297.1); c.3051T>G, p.Phe1017Leu (NM_001407298.1); c.2934T>G, p.Phe978Leu (NM_001407300.1); c.2328T>G, p.Phe776Leu (NM_001407304.1, NM_001407305.1, NM_001407306.1); c.2166T>G, p.Phe722Leu (NM_001407307.1); c.1425T>G, p.Phe475Leu (NM_001407312.1); and 6 more; short protein forms F1017L, F1047L, F249L, F1071L, F475L, F722L, F978L, F1051L.
Identifiers: ClinVar variation 4130340 (VCV004130340.1).